The following is an entry in ClinVar:

ClinVar aggregate classification (germline): Uncertain significance (1 of 4 stars; one submission).

Conditions:
Inborn genetic diseases. Identifiers: MedGen C0950123, MeSH D030342.

Submission:

Ambry Genetics
Classification: Uncertain significance for Inborn genetic diseases. Last evaluated: 2025-03-10. Review status: criteria provided, single submitter. Criteria: Ambry Variant Classification Scheme 2023. Collection method: clinical testing. Allele origin: germline.
Comment: The p.A1215V variant (also known as c.3644C>T), located in coding exon 37 of the FANCA gene, results from a C to T substitution at nucleotide position 3644. The alanine at codon 1215 is replaced by valine, an amino acid with similar properties. This amino acid position is conserved. In addition, this alteration is predicted to be tolerated by in silico analysis. Based on the available evidence, the clinical significance of this variant remains unclear.

NM_000135.4(FANCA):c.3644C>T (p.Ala1215Val)

Gene: FANCA (FA complementation group A; minus strand). Cytogenetic location: 16q24.3.
Variant type: single nucleotide variant.
Coding change: c.3644C>T on transcript NM_000135.4 (MANE Select); coding-DNA position 3644, C replaced by T.
Protein change: p.Ala1215Val; replaces alanine 1215 with valine.
Molecular consequence: missense variant.
Genome position (GRCh38, 1-based): chr16:89,742,921, G>A on the plus strand (C>T on the coding strand, the complement: FANCA is on the minus strand). VCF-style: chr16-89742921-G-A. GRCh37 (hg19) VCF-style: chr16-89809329-G-A.
Other names: c.3644C>T, p.Ala1215Val (NM_001286167.3); short protein forms A1215V.
Identifiers: ClinVar variation 3848304 (VCV003848304.1).
Genomic context (GRCh38, chr16:89,742,921, plus strand): 5'-TGAATCGCAAAGTGCAGTGCAGCAGCTGAGAGCCAGTCCGGGTTGGGTGCTGGGGAGGCA[G>A]CCTCAGGGGAGAGGAAACTGGGACAGAGAGAACGGGGTCATTGCAGGGCCTTACAACCAT-3'
Protein context (NP_000126.2, residues 1205-1225): QFASDFLSPE[Ala1215Val]ASPAPNPDWL